The following is an entry in ClinVar:

NM_006563.5(KLF1):c.313C>G (p.Gln105Glu)

Gene: KLF1 (KLF transcription factor 1; minus strand). Cytogenetic location: 19p13.13.
Variant type: single nucleotide variant.
Coding change: c.313C>G on transcript NM_006563.5 (MANE Select); coding-DNA position 313, C replaced by G.
Protein change: p.Gln105Glu; replaces glutamine 105 with glutamic acid.
Molecular consequence: missense variant.
Genome position (GRCh38, 1-based): chr19:12,885,917, G>C on the plus strand (C>G on the coding strand, the complement: KLF1 is on the minus strand). VCF-style: chr19-12885917-G-C. GRCh37 (hg19) VCF-style: chr19-12996731-G-C.
Other names: short protein forms Q105E.
Identifiers: ClinVar variation 4704799 (VCV004704799.1).

ClinVar aggregate classification (germline): Uncertain significance (1 of 4 stars; one submission).

Submission:

Labcorp Genetics (formerly Invitae), Labcorp
Classification: Uncertain significance. Last evaluated: 2025-05-10. Review status: criteria provided, single submitter. Criteria: Invitae Variant Classification Sherloc (09022015). Collection method: clinical testing. Allele origin: germline.
Comment: This sequence change replaces glutamine, which is neutral and polar, with glutamic acid, which is acidic and polar, at codon 105 of the KLF1 protein (p.Gln105Glu). This variant is present in population databases (rs780626321, gnomAD 0.008%). This variant has not been reported in the literature in individuals affected with KLF1-related conditions. Invitae Evidence Modeling of protein sequence and biophysical properties (such as structural, functional, and spatial information, amino acid conservation, physicochemical variation, residue mobility, and thermodynamic stability) indicates that this missense variant is not expected to disrupt KLF1 protein function with a negative predictive value of 80%. In summary, the available evidence is currently insufficient to determine the role of this variant in disease. Therefore, it has been classified as a Variant of Uncertain Significance.